The following is an entry in ClinVar:

ClinVar aggregate classification (germline): Pathogenic (1 of 4 stars; one submission).

Conditions:
Progressive myoclonic epilepsy type 7. Identifiers: Orphanet 435438, MedGen C4015420, MONDO:0014521, OMIM 616187.

Submission:

Labcorp Genetics (formerly Invitae), Labcorp
Classification: Pathogenic for Progressive myoclonic epilepsy type 7. Last evaluated: 2023-07-27. Review status: criteria provided, single submitter. Criteria: Invitae Variant Classification Sherloc (09022015). Collection method: clinical testing. Allele origin: germline.
Comment: This sequence change replaces threonine, which is neutral and polar, with asparagine, which is neutral and polar, at codon 400 of the KCNC1 protein (p.Thr400Asn). This variant is not present in population databases (gnomAD no frequency). This missense change has been observed in individual(s) with clinical features of KCNC1-related conditions (Invitae). In at least one individual the variant was observed to be de novo. Advanced modeling of protein sequence and biophysical properties (such as structural, functional, and spatial information, amino acid conservation, physicochemical variation, residue mobility, and thermodynamic stability) performed at Invitae indicates that this missense variant is expected to disrupt KCNC1 protein function. For these reasons, this variant has been classified as Pathogenic.

NM_001112741.2(KCNC1):c.1199C>A (p.Thr400Asn)

Gene: KCNC1 (potassium voltage-gated channel subfamily C member 1; plus strand). Cytogenetic location: 11p15.1.
Variant type: single nucleotide variant.
Coding change: c.1199C>A on transcript NM_001112741.2 (MANE Select); coding-DNA position 1199, C replaced by A.
Protein change: p.Thr400Asn; replaces threonine 400 with asparagine.
Molecular consequence: missense variant.
Genome position (GRCh38, 1-based): chr11:17,772,293, C>A. VCF-style: chr11-17772293-C-A. GRCh37 (hg19) VCF-style: chr11-17793840-C-A.
Other names: c.1199C>A, p.Thr400Asn (NM_004976.4); short protein forms T400N.
Identifiers: ClinVar variation 2856264 (VCV002856264.3), dbSNP rs2497800929, ClinGen allele CA379808607.